The following is an entry in ClinVar:

ClinVar aggregate classification (germline): Conflicting classifications of pathogenicity. Review status: criteria provided, conflicting classifications (1 of 4 stars). 3 submissions from 3 submitters: Uncertain significance (1); Likely benign (1). 1 of the submissions does not count toward it. Last evaluated 2025-12-19.

Conditions:
CAVIN1-related disorder. Also called: CAVIN1-related condition.
Congenital generalized lipodystrophy type 4. Also called: BERARDINELLI-SEIP CONGENITAL LIPODYSTROPHY, TYPE 4, WITH MUSCULAR DYSTROPHY. Identifiers: Orphanet 228429, MedGen C2750069, MONDO:0013225, OMIM 613327.

Allele frequency attached by ClinVar (database versions not stated): ExAC 0.00001; gnomAD exomes 0.00002; TOPMed 0.00008.

Submissions (3):

Labcorp Genetics (formerly Invitae), Labcorp
Classification: Likely benign. Last evaluated: 2025-12-19. Review status: criteria provided, single submitter. Criteria: Invitae Variant Classification Sherloc (09022015). Collection method: clinical testing. Allele origin: germline.

Illumina Laboratory Services, Illumina
Classification: Uncertain significance for Congenital generalized lipodystrophy type 4. Last evaluated: 2018-01-12. Review status: criteria provided, single submitter. Criteria: ICSL Variant Classification Criteria 13 December 2019. Collection method: clinical testing. Allele origin: germline.

PreventionGenetics, part of Exact Sciences
Classification: Likely benign for CAVIN1-related condition. Last evaluated: 2019-09-17. Review status: no assertion criteria provided. Collection method: clinical testing. Allele origin: germline. Not counted in ClinVar's aggregate classification.
Comment: This variant is classified as likely benign based on ACMG/AMP sequence variant interpretation guidelines (Richards et al. 2015 PMID: 25741868, with internal and published modifications).

NM_012232.6(CAVIN1):c.232C>A (p.Arg78=)

Gene: CAVIN1 (caveolae associated protein 1; minus strand). Cytogenetic location: 17q21.2.
Variant type: single nucleotide variant.
Coding change: c.232C>A on transcript NM_012232.6 (MANE Select); coding-DNA position 232, C replaced by A.
Protein change: p.Arg78=; no amino-acid change (arginine 78 retained).
Molecular consequence: synonymous variant.
Genome position (GRCh38, 1-based): chr17:42,422,866, G>T on the plus strand (C>A on the coding strand, the complement: CAVIN1 is on the minus strand). VCF-style: chr17-42422866-G-T. GRCh37 (hg19) VCF-style: chr17-40574884-G-T.
Identifiers: ClinVar variation 889148 (VCV000889148.7), dbSNP rs750373957, ClinGen allele CA8575921.
Genomic context (GRCh38, chr17:42,422,866, plus strand): 5'-TGCCCAGCTTGCTCAGCTCGCCCTGGATGCTCTGCACTGCGCCCTCCATCTCCGCCTGCC[G>T]CTCCTCCAGCTGTGCTTGAGTCAGCTGGATCTGGTCTACGGCCCCGATGATTTTGTCCAG-3'
Protein context (NP_036364.2, residues 68-88): IQLTQAQLEE[Arg78=]QAEMEGAVQS